The following is an entry in ClinVar:

ClinVar aggregate classification (germline): Uncertain significance. Review status: criteria provided, multiple submitters, no conflicts (2 of 4 stars). 3 submissions from 3 submitters: Uncertain significance (3). Last evaluated 2025-05-15.

Allele frequency attached by ClinVar (database versions not stated): gnomAD 0.00009; TOPMed 0.00009; gnomAD exomes 0.00014.
gnomAD v4.1: 208 of 1,551,482 alleles (0.013%); highest among the groups gnomAD compares: Non-Finnish European, 0.017%; no homozygotes.

Submissions (3):

Mayo Clinic Laboratories, Mayo Clinic
Classification: Uncertain significance. Last evaluated: 2025-05-15. Review status: criteria provided, single submitter. Criteria: ACMG Guidelines, 2015. Collection method: clinical testing. Allele origin: germline. Observed: 1 variant allele.
Comment: PP3, PM1, PM2_supporting, PM3_supporting

Labcorp Genetics (formerly Invitae), Labcorp
Classification: Uncertain significance. Last evaluated: 2024-05-29. Review status: criteria provided, single submitter. Criteria: Invitae Variant Classification Sherloc (09022015). Collection method: clinical testing. Allele origin: germline.
Comment: This sequence change replaces arginine, which is basic and polar, with histidine, which is basic and polar, at codon 59 of the CYB5R3 protein (p.Arg59His). This variant is present in population databases (rs111154229, gnomAD 0.02%). This variant has not been reported in the literature in individuals affected with CYB5R3-related conditions. ClinVar contains an entry for this variant (Variation ID: 2138455). Advanced modeling of protein sequence and biophysical properties (such as structural, functional, and spatial information, amino acid conservation, physicochemical variation, residue mobility, and thermodynamic stability) performed at Invitae indicates that this missense variant is expected to disrupt CYB5R3 protein function with a positive predictive value of 80%. Experimental studies have shown that this missense change affects CYB5R3 function (PMID: 19997042). In summary, the available evidence is currently insufficient to determine the role of this variant in disease. Therefore, it has been classified as a Variant of Uncertain Significance.

ARUP Laboratories, Molecular Genetics and Genomics, ARUP Laboratories
Classification: Uncertain significance. Last evaluated: 2023-06-15. Review status: criteria provided, single submitter. Criteria: ARUP Molecular Germline Variant Investigation Process 2024. Collection method: clinical testing. Allele origin: germline.

Literature cited by the submitters: PubMed 19997042 (cited by Mayo Clinic Laboratories, Mayo Clinic and Labcorp Genetics (formerly Invitae), Labcorp); PubMed 31898843 (cited by Mayo Clinic Laboratories, Mayo Clinic).

NM_000398.7(CYB5R3):c.176G>A (p.Arg59His)

Gene: CYB5R3 (cytochrome b5 reductase 3; minus strand). Cytogenetic location: 22q13.2.
Variant type: single nucleotide variant.
Coding change: c.176G>A on transcript NM_000398.7 (MANE Select); coding-DNA position 176, G replaced by A.
Protein change: p.Arg59His; replaces arginine 59 with histidine.
Molecular consequence: missense variant.
Genome position (GRCh38, 1-based): chr22:42,631,428, C>T on the plus strand (G>A on the coding strand, the complement: CYB5R3 is on the minus strand). VCF-style: chr22-42631428-C-T. GRCh37 (hg19) VCF-style: chr22-43027434-C-T.
Other names: p.Arg59His; c.176G>A, p.Arg59His (NM_001031678.1); c.107G>A, p.Arg36His (NM_001129819.2, NM_007326.4, NM_001171661.1); c.275G>A, p.Arg92His (NM_001171660.2); short protein forms R92H, R59H, R36H.
Identifiers: ClinVar variation 2138455 (VCV002138455.6), dbSNP rs111154229, ClinGen allele CA324703528.